The following is an entry in ClinVar:

ClinVar aggregate classification (germline): Benign/Likely benign. Review status: criteria provided, multiple submitters, no conflicts (2 of 4 stars). 5 submissions from 5 submitters: Benign (1); Likely benign (3). 1 of the submissions does not count toward it. Last evaluated 2025-12-21.

Conditions:
Cardiovascular phenotype. Identifiers: MedGen CN230736.
ALPK3-related disorder. Also called: ALPK3-related condition.

Allele frequency attached by ClinVar (database versions not stated): gnomAD 0.00001; TOPMed 0.00003; gnomAD exomes 0.00005 and 0.00007; ExAC 0.00012.

Submissions (5):

Labcorp Genetics (formerly Invitae), Labcorp
Classification: Benign. Last evaluated: 2025-12-21. Review status: criteria provided, single submitter. Criteria: Invitae Variant Classification Sherloc (09022015). Collection method: clinical testing. Allele origin: germline.

Blueprint Genetics
Classification: Likely benign. Last evaluated: 2024-09-30. Review status: criteria provided, single submitter. Criteria: ACMG Guidelines, 2015. Collection method: clinical testing. Allele origin: germline.

Ambry Genetics
Classification: Likely benign for Cardiovascular phenotype. Last evaluated: 2020-12-05. Review status: criteria provided, single submitter. Criteria: Ambry Variant Classification Scheme 2023. Collection method: clinical testing. Allele origin: germline.

GeneDx
Classification: Likely benign. Last evaluated: 2018-08-28. Review status: criteria provided, single submitter. Criteria: GeneDx Variant Classification Process June 2021. Collection method: clinical testing. Allele origin: germline. Affected: yes.

PreventionGenetics, part of Exact Sciences
Classification: Likely benign for ALPK3-related condition. Last evaluated: 2019-04-09. Review status: no assertion criteria provided. Collection method: clinical testing. Allele origin: germline. Not counted in ClinVar's aggregate classification.
Comment: This variant is classified as likely benign based on ACMG/AMP sequence variant interpretation guidelines (Richards et al. 2015 PMID: 25741868, with internal and published modifications).

NM_020778.5(ALPK3):c.4023C>T (p.Cys1341=)

Gene: ALPK3 (alpha kinase 3; plus strand). Cytogenetic location: 15q25.3.
Variant type: single nucleotide variant.
Coding change: c.4023C>T on transcript NM_020778.5 (MANE Select); coding-DNA position 4023, C replaced by T.
Protein change: p.Cys1341=; no amino-acid change (cysteine 1341 retained).
Molecular consequence: synonymous variant.
Genome position (GRCh38, 1-based): chr15:84,859,833, C>T. VCF-style: chr15-84859833-C-T. GRCh37 (hg19) VCF-style: chr15-85403064-C-T.
Identifiers: ClinVar variation 1209454 (VCV001209454.16), dbSNP rs745724880, ClinGen allele CA7709809.